The following is an entry in ClinVar:

NM_014014.5(SNRNP200):c.1633C>T (p.Arg545Cys)

Gene: SNRNP200 (small nuclear ribonucleoprotein U5 subunit 200; minus strand). Cytogenetic location: 2q11.2.
Variant type: single nucleotide variant.
Coding change: c.1633C>T on transcript NM_014014.5 (MANE Select); coding-DNA position 1633, C replaced by T.
Protein change: p.Arg545Cys; replaces arginine 545 with cysteine.
Molecular consequence: missense variant.
Genome position (GRCh38, 1-based): chr2:96,296,574, G>A on the plus strand (C>T on the coding strand, the complement: SNRNP200 is on the minus strand). VCF-style: chr2-96296574-G-A. GRCh37 (hg19) VCF-style: chr2-96962312-G-A.
Other names: short protein forms R545C.
Identifiers: ClinVar variation 1512885 (VCV001512885.7), dbSNP rs772114265, ClinGen allele CA1778884.

ClinVar aggregate classification (germline): Uncertain significance. Review status: criteria provided, multiple submitters, no conflicts (2 of 4 stars). 2 submissions from 2 submitters: Uncertain significance (2). Last evaluated 2023-02-03.

Allele frequency attached by ClinVar (database versions not stated): TOPMed below 0.00001; gnomAD exomes 0.00001; ExAC 0.00002.

Submissions (2):

Labcorp Genetics (formerly Invitae), Labcorp
Classification: Uncertain significance. Last evaluated: 2023-02-03. Review status: criteria provided, single submitter. Criteria: Invitae Variant Classification Sherloc (09022015). Collection method: clinical testing. Allele origin: germline.
Comment: ClinVar contains an entry for this variant (Variation ID: 1512885). This variant has not been reported in the literature in individuals affected with SNRNP200-related conditions. This variant is present in population databases (rs772114265, gnomAD 0.003%). This sequence change replaces arginine, which is basic and polar, with cysteine, which is neutral and slightly polar, at codon 545 of the SNRNP200 protein (p.Arg545Cys). Advanced modeling of protein sequence and biophysical properties (such as structural, functional, and spatial information, amino acid conservation, physicochemical variation, residue mobility, and thermodynamic stability) performed at Invitae indicates that this missense variant is expected to disrupt SNRNP200 protein function. In summary, the available evidence is currently insufficient to determine the role of this variant in disease. Therefore, it has been classified as a Variant of Uncertain Significance.

Blueprint Genetics
Classification: Uncertain significance. Last evaluated: 2022-06-14. Review status: criteria provided, single submitter. Criteria: ACMG Guidelines, 2015. Collection method: clinical testing. Allele origin: germline.